The following is an entry in ClinVar:

ClinVar aggregate classification (germline): Likely pathogenic (1 of 4 stars; one submission).

Conditions:
Long QT syndrome 2 (LQT2). Identifiers: Orphanet 101016, Orphanet 768, MedGen C3150943, MONDO:0013367, OMIM 613688.

Submission:

Petrovsky National Research Centre of Surgery, The Federal Agency for Scientific Organizations
Classification: Likely pathogenic for Long QT syndrome 2. Review status: criteria provided, single submitter. Criteria: ACMG Guidelines, 2015. Collection method: clinical testing. Allele origin: germline. Affected: yes. Observed: 1 variant allele, 1 heterozygote.
Comment: This variant has not been reported in any study to our knowledge. This variant is absent in The Genome Aggregation Database (gnomAD) v4.1.0 (Date of access 01-06-2026). In accordance with ACMG (2015) criteria this variant is classified as Likely Pathogenic (LP) with following criteria selected: PM1_strong, PM2, PM5, PP3.

NM_000238.4(KCNH2):c.1867A>T (p.Thr623Ser)

Gene: KCNH2 (potassium voltage-gated channel subfamily H member 2; minus strand). Cytogenetic location: 7q36.1.
Variant type: single nucleotide variant.
Coding change: c.1867A>T on transcript NM_000238.4 (MANE Select); coding-DNA position 1867, A replaced by T.
Protein change: p.Thr623Ser; replaces threonine 623 with serine.
Molecular consequence: missense variant. On other transcripts: non-coding transcript variant (2).
Genome position (GRCh38, 1-based): chr7:150,951,526, T>A on the plus strand (A>T on the coding strand, the complement: KCNH2 is on the minus strand). VCF-style: chr7-150951526-T-A. GRCh37 (hg19) VCF-style: chr7-150648614-T-A.
Other names: c.847A>T, p.Thr283Ser (NM_001204798.2, NM_172057.3); c.1579A>T, p.Thr527Ser (NM_001406753.1, NM_001406756.1); c.1690A>T, p.Thr564Ser (NM_001406755.1); c.1567A>T, p.Thr523Ser (NM_001406757.1); c.1867A>T, p.Thr623Ser (NM_172056.3); short protein forms T283S, T523S, T527S, T564S, T623S.
Identifiers: ClinVar variation 4852531 (VCV004852531.1).